The following is an entry in ClinVar:

ClinVar aggregate classification (germline): Uncertain significance (1 of 4 stars; one submission).

Conditions:
Hereditary cancer-predisposing syndrome. Also called: Tumor predisposition; Hereditary Cancer Syndrome; Neoplastic Syndromes, Hereditary; Hereditary neoplastic syndrome. Identifiers: Orphanet 140162, MedGen C0027672, MeSH D009386, MONDO:0015356.

Submission:

Ambry Genetics
Classification: Uncertain significance for Hereditary cancer-predisposing syndrome. Last evaluated: 2022-04-02. Review status: criteria provided, single submitter. Criteria: Ambry Variant Classification Scheme 2023. Collection method: clinical testing. Allele origin: germline.
Comment: The p.I868M variant (also known as c.2604T>G), located in coding exon 18 of the BRIP1 gene, results from a T to G substitution at nucleotide position 2604. The isoleucine at codon 868 is replaced by methionine, an amino acid with highly similar properties. This amino acid position is conserved. In addition, the in silico prediction for this alteration is inconclusive. Since supporting evidence is limited at this time, the clinical significance of this alteration remains unclear.

NM_032043.3(BRIP1):c.2604T>G (p.Ile868Met)

Gene: BRIP1 (BRCA1 interacting DNA helicase 1; minus strand). Cytogenetic location: 17q23.2.
Variant type: single nucleotide variant.
Coding change: c.2604T>G on transcript NM_032043.3 (MANE Select); coding-DNA position 2604, T replaced by G.
Protein change: p.Ile868Met; replaces isoleucine 868 with methionine.
Molecular consequence: missense variant.
Genome position (GRCh38, 1-based): chr17:61,686,137, A>C on the plus strand (T>G on the coding strand, the complement: BRIP1 is on the minus strand). VCF-style: chr17-61686137-A-C. GRCh37 (hg19) VCF-style: chr17-59763498-A-C.
Other names: short protein forms I868M.
Identifiers: ClinVar variation 1793715 (VCV001793715.2), dbSNP rs1555573489, ClinGen allele CA400481960.